The following is an entry in ClinVar:

ClinVar aggregate classification (germline): Uncertain significance (1 of 4 stars; one submission).

Submission:

GeneDx
Classification: Uncertain significance. Last evaluated: 2025-04-23. Review status: criteria provided, single submitter. Criteria: GeneDx Variant Classification Process June 2021. Collection method: clinical testing. Allele origin: germline. Affected: yes.
Comment: Not observed at significant frequency in large population cohorts (gnomAD); Has not been previously published as pathogenic or benign to our knowledge; In silico analysis suggests this variant may impact gene splicing. In the absence of RNA/functional studies, the actual effect of this sequence change is unknown.

NM_013450.4(BAZ2B):c.3009+276G>A

Gene: BAZ2B (bromodomain adjacent to zinc finger domain 2B; minus strand). Cytogenetic location: 2q24.2.
Variant type: single nucleotide variant.
Coding change: c.3009+276G>A on transcript NM_013450.4 (MANE Select); 276 bases into the intron after coding-DNA position 3009, G replaced by A.
Molecular consequence: intron variant.
Genome position (GRCh38, 1-based): chr2:159,397,069, C>T on the plus strand (G>A on the coding strand, the complement: BAZ2B is on the minus strand). VCF-style: chr2-159397069-C-T. GRCh37 (hg19) VCF-style: chr2-160253580-C-T.
Other names: c.2901+276G>A (NM_001289975.1); c.2847+5G>A (NM_001329857.2); c.2934+5G>A (NM_001329858.2).
Identifiers: ClinVar variation 4527524 (VCV004527524.1).